The following is an entry in ClinVar:

NM_015602.4(TOR1AIP1):c.383C>T (p.Thr128Ile)

Genes: TOR1AIP1 (torsin 1A interacting protein 1; plus strand), LOC112577517 (Sharpr-MPRA regulatory region 13766; plus strand). Cytogenetic location: 1q25.2.
Variant type: single nucleotide variant.
Coding change: c.383C>T on transcript NM_015602.4 (MANE Select); coding-DNA position 383, C replaced by T.
Protein change: p.Thr128Ile; replaces threonine 128 with isoleucine.
Molecular consequence: missense variant.
Genome position (GRCh38, 1-based): chr1:179,882,885, C>T. VCF-style: chr1-179882885-C-T. GRCh37 (hg19) VCF-style: chr1-179852020-C-T.
Other names: c.383C>T, p.Thr128Ile (NM_001267578.2); short protein forms T128I.
Identifiers: ClinVar variation 864771 (VCV000864771.7), dbSNP rs1647773232, ClinGen allele CA343578189.
Genomic context (GRCh38, chr1:179,882,885, plus strand): 5'-CTAGGCAGCGGAGGCAGCCGCGACCCCAGGAAACCGAGGAAATGAAGACGCGAAGGACTA[C>T]CCGCCTTCAGCAGCAGCACTCAGAGCAGCCTCCGCTACAGCCGTCTCCTGTTATGACCAG-3'
Protein context (NP_056417.2, residues 118-138): ETEEMKTRRT[Thr128Ile]RLQQQHSEQP

ClinVar aggregate classification (germline): Uncertain significance (1 of 4 stars; one submission).

Conditions:
Autosomal recessive limb-girdle muscular dystrophy type 2Y (MRRSDC). Also called: Muscular dystrophy, autosomal recessive, with rigid spine and distal joint contractures; Muscular dystrophy, limb-girdle, type 2y. Identifiers: Orphanet 424261, MedGen C4511482, MONDO:0014900, OMIM 617072.

gnomAD v4.1: 4 of 1,614,190 alleles (0.00025%); highest among the groups gnomAD compares: Middle Eastern, 0.016%; no homozygotes.

Submission:

Labcorp Genetics (formerly Invitae), Labcorp
Classification: Uncertain significance for Autosomal recessive limb-girdle muscular dystrophy type 2Y. Last evaluated: 2019-05-08. Review status: criteria provided, single submitter. Criteria: Invitae Variant Classification Sherloc (09022015). Collection method: clinical testing. Allele origin: germline.
Comment: This variant has not been reported in the literature in individuals with TOR1AIP1-related conditions. In summary, the available evidence is currently insufficient to determine the role of this variant in disease. Therefore, it has been classified as a Variant of Uncertain Significance. Algorithms developed to predict the effect of missense changes on protein structure and function output the following: SIFT: "Tolerated"; PolyPhen-2: "Benign"; Align-GVGD: "Class C0". The isoleucine amino acid residue is found in multiple mammalian species, suggesting that this missense change does not adversely affect protein function. These predictions have not been confirmed by published functional studies and their clinical significance is uncertain. This variant is not present in population databases (ExAC no frequency). This sequence change replaces threonine with isoleucine at codon 128 of the TOR1AIP1 protein (p.Thr128Ile). The threonine residue is weakly conserved and there is a moderate physicochemical difference between threonine and isoleucine.